The following is an entry in ClinVar:

ClinVar aggregate classification (germline): Likely benign. Review status: criteria provided, single submitter (1 of 4 stars). 2 submissions from 2 submitters: Likely benign (1). 1 of the submissions does not count toward it. Last evaluated 2024-06-12.

Conditions:
IDS-related disorder. Also called: IDS-related condition.
Mucopolysaccharidosis, MPS-II (MPS2). Also called: Attenuated MPS (subtype; formerly known as mild MPS II); Severe MPS II; I2S deficiency; MPS 2; IDS deficiency; Sulfoiduronate sulfatase deficiency. Identifiers: Orphanet 580, Orphanet 79388, MedGen C0026705, MONDO:0010674, OMIM 309900.

Submissions (2):

Labcorp Genetics (formerly Invitae), Labcorp
Classification: Likely benign for Mucopolysaccharidosis, MPS-II. Last evaluated: 2024-06-12. Review status: criteria provided, single submitter. Criteria: Invitae Variant Classification Sherloc (09022015). Collection method: clinical testing. Allele origin: germline.

PreventionGenetics, part of Exact Sciences
Classification: Likely benign for IDS-related condition. Last evaluated: 2021-09-24. Review status: no assertion criteria provided. Collection method: clinical testing. Allele origin: germline. Not counted in ClinVar's aggregate classification.
Comment: This variant is classified as likely benign based on ACMG/AMP sequence variant interpretation guidelines (Richards et al. 2015 PMID: 25741868, with internal and published modifications).

NM_000202.8(IDS):c.1608T>C (p.Tyr536=)

Gene: IDS (iduronate 2-sulfatase; minus strand). Cytogenetic location: Xq28.
Variant type: single nucleotide variant.
Coding change: c.1608T>C on transcript NM_000202.8 (MANE Select); coding-DNA position 1608, T replaced by C.
Protein change: p.Tyr536=; no amino-acid change (tyrosine 536 retained).
Molecular consequence: synonymous variant.
Genome position (GRCh38, 1-based): chrX:149,482,791, A>G on the plus strand (T>C on the coding strand, the complement: IDS is on the minus strand). VCF-style: chrX-149482791-A-G. GRCh37 (hg19) VCF-style: chrX-148564322-A-G.
Other names: c.1338T>C, p.Tyr446= (NM_001166550.4); c.1608T>C (NM_000202.7).
Identifiers: ClinVar variation 1089630 (VCV001089630.12), dbSNP rs2089303285, ClinGen allele CA519057388.